The following is an entry in ClinVar:

NM_000168.6(GLI3):c.473+1G>A

Gene: GLI3 (GLI family zinc finger 3; minus strand). Cytogenetic location: 7p14.1.
Variant type: single nucleotide variant.
Coding change: c.473+1G>A on transcript NM_000168.6 (MANE Select); the canonical splice donor site of the intron after coding-DNA position 473, G replaced by A.
Molecular consequence: splice donor variant.
Genome position (GRCh38, 1-based): chr7:42,076,751, C>T on the plus strand (G>A on the coding strand, the complement: GLI3 is on the minus strand). VCF-style: chr7-42076751-C-T. GRCh37 (hg19) VCF-style: chr7-42116350-C-T.
Identifiers: ClinVar variation 1679890 (VCV001679890.4), dbSNP rs2128751733, ClinGen allele CA367549922.

ClinVar aggregate classification (germline): Pathogenic. Review status: criteria provided, multiple submitters, no conflicts (2 of 4 stars). 2 submissions from 2 submitters: Pathogenic (2). Last evaluated 2023-12-29.

Conditions:
Greig cephalopolysyndactyly syndrome (GCPS). Also called: POLYSYNDACTYLY WITH PECULIAR SKULL SHAPE; GLI3-Related Greig Cephalopolysyndactyly Syndrome; Greig syndrome. Identifiers: Orphanet 380, MedGen C0265306, MONDO:0008287, OMIM 175700.

Submissions (2):

GeneDx
Classification: Pathogenic. Last evaluated: 2023-12-29. Review status: criteria provided, single submitter. Criteria: GeneDx Variant Classification Process June 2021. Collection method: clinical testing. Allele origin: germline. Affected: yes.
Comment: Canonical splice site variant predicted to result in a null allele in a gene for which loss of function is a known mechanism of disease; Not observed at significant frequency in large population cohorts (gnomAD); This variant is associated with the following publications: (PMID: 25525159, 10441342)

Kasturba Medical College, Manipal, Kasturba Medical College, Manipal, Manipal Academy of Higher Education, Manipal, India
Classification: Pathogenic for Greig cephalopolysyndactyly syndrome. Last evaluated: 2022-05-09. Review status: criteria provided, single submitter. Criteria: ACMG Guidelines, 2015. Collection method: clinical testing. Allele origin: germline. Affected: yes.